The following is an entry in ClinVar:

NM_020975.6(RET):c.2597C>G (p.Ala866Gly)

Gene: RET (ret proto-oncogene; plus strand). Cytogenetic location: 10q11.21.
Variant type: single nucleotide variant.
Coding change: c.2597C>G on transcript NM_020975.6 (MANE Select); coding-DNA position 2597, C replaced by G.
Protein change: p.Ala866Gly; replaces alanine 866 with glycine.
Molecular consequence: missense variant.
Genome position (GRCh38, 1-based): chr10:43,119,735, C>G. VCF-style: chr10-43119735-C-G. GRCh37 (hg19) VCF-style: chr10-43615183-C-G.
Other names: c.1871C>G, p.Ala624Gly (NM_001406775.1, NM_001406776.1, NM_001406777.1 and 1 more transcripts); c.1700C>G, p.Ala567Gly (NM_001406780.1, NM_001406781.1, NM_001406782.1 and 1 more transcripts); c.2597C>G, p.Ala866Gly (NM_000323.2, NM_001406743.1, NM_001406744.1 and 4 more transcripts); c.1835C>G, p.Ala612Gly (NM_001355216.2); c.2468C>G, p.Ala823Gly (NM_001406761.1, NM_001406762.1, NM_001406764.1); c.2462C>G, p.Ala821Gly (NM_001406763.1, NM_001406765.1); c.2309C>G, p.Ala770Gly (NM_001406766.1, NM_001406767.1, NM_001406770.1); c.2333C>G, p.Ala778Gly (NM_001406768.1); and 10 more; short protein forms A536G, A612G, A720G, A471G, A624G, A821G, A823G, A431G.
Identifiers: ClinVar variation 2568356 (VCV002568356.2), dbSNP rs2132951317, ClinGen allele CA376556806.

ClinVar aggregate classification (germline): Uncertain significance (1 of 4 stars; one submission).

Conditions:
Hereditary cancer-predisposing syndrome. Also called: Hereditary neoplastic syndrome; Hereditary Cancer Syndrome; Neoplastic Syndromes, Hereditary; Tumor predisposition. Identifiers: Orphanet 140162, MedGen C0027672, MeSH D009386, MONDO:0015356.

Submission:

Ambry Genetics
Classification: Uncertain significance for Hereditary cancer-predisposing syndrome. Last evaluated: 2023-05-03. Review status: criteria provided, single submitter. Criteria: Ambry Variant Classification Scheme 2023. Collection method: clinical testing. Allele origin: germline.
Comment: The p.A866G variant (also known as c.2597C>G), located in coding exon 14 of the RET gene, results from a C to G substitution at nucleotide position 2597. The alanine at codon 866 is replaced by glycine, an amino acid with similar properties. This amino acid position is conserved. In addition, this alteration is predicted to be deleterious by in silico analysis. Since supporting evidence is limited at this time, the clinical significance of this alteration remains unclear.